The following is an entry in ClinVar:

NM_003242.6(TGFBR2):c.480G>A (p.Leu160=)

Gene: TGFBR2 (transforming growth factor beta receptor 2; plus strand). Cytogenetic location: 3p24.1.
Variant type: single nucleotide variant.
Coding change: c.480G>A on transcript NM_003242.6 (MANE Select); coding-DNA position 480, G replaced by A.
Protein change: p.Leu160=; no amino-acid change (leucine 160 retained).
Molecular consequence: synonymous variant. On other transcripts: intron variant (1).
Genome position (GRCh38, 1-based): chr3:30,671,663, G>A. VCF-style: chr3-30671663-G-A. GRCh37 (hg19) VCF-style: chr3-30713155-G-A.
Other names: c.530-16724G>A (NM_001407139.1); c.555G>A, p.Leu185= (NM_001024847.3); c.663G>A, p.Leu221= (NM_001407126.1); c.588G>A, p.Leu196= (NM_001407127.1); c.507G>A, p.Leu169= (NM_001407128.1); c.483G>A, p.Leu161= (NM_001407129.1); c.480G>A, p.Leu160= (NM_001407130.1); c.375G>A, p.Leu125= (NM_001407132.1, NM_001407133.1, NM_001407134.1 and 2 more transcripts); and 2 more.
Identifiers: ClinVar variation 3386063 (VCV003386063.1).

ClinVar aggregate classification (germline): Likely benign (1 of 4 stars; one submission).

Conditions:
Loeys-Dietz syndrome 2 (LDS2). Also called: TGFBR2-Related Loeys-Dietz Syndrome; AORTIC ANEURYSM, FAMILIAL THORACIC 3; MARFAN SYNDROME, TYPE II; Marfan syndrome, type 2 (formerly); Marfan Syndrome type 2; Marfan like connective tissue disorder. Identifiers: Orphanet 284973, Orphanet 558, MedGen C2674574, MONDO:0012427, OMIM 610168.

Submission:

All of Us Research Program, National Institutes of Health
Classification: Likely benign for Loeys-Dietz syndrome 2. Last evaluated: 2024-06-09. Review status: criteria provided, single submitter. Criteria: ACMG Guidelines, 2015. Collection method: clinical testing. Allele origin: germline. Inheritance: Autosomal dominant inheritance. Observed: 1 variant allele, 1 heterozygote.
Comment: This study involves interpretation of variants in research participants for the purpose of population health screening. Participant phenotype was not available at the time of variant classification. Additional details can be found in publication PMID: 35346344, PMCID: PMC8962531